The following is an entry in ClinVar:

ClinVar aggregate classification (germline): Uncertain significance (1 of 4 stars; one submission).

Submission:

GeneDx
Classification: Uncertain significance. Last evaluated: 2025-05-17. Review status: criteria provided, single submitter. Criteria: GeneDx Variant Classification Process June 2021. Collection method: clinical testing. Allele origin: germline. Affected: yes.
Comment: Not observed at significant frequency in large population cohorts (gnomAD); Nonsense variant predicted to result in protein truncation or nonsense mediated decay in a gene or region of a gene for which loss of function is not a well-established mechanism of disease; Has not been previously published as pathogenic or benign to our knowledge

NM_001348768.2(HECW2):c.2320G>T (p.Glu774Ter)

Gene: HECW2 (HECT, C2 and WW domain containing E3 ubiquitin protein ligase 2; minus strand). Cytogenetic location: 2q32.3.
Variant type: single nucleotide variant.
Coding change: c.2320G>T on transcript NM_001348768.2 (MANE Select); coding-DNA position 2320, G replaced by T.
Protein change: p.Glu774Ter; replaces glutamic acid 774 with a stop codon.
Molecular consequence: nonsense.
Genome position (GRCh38, 1-based): chr2:196,318,570, C>A on the plus strand (G>T on the coding strand, the complement: HECW2 is on the minus strand). VCF-style: chr2-196318570-C-A. GRCh37 (hg19) VCF-style: chr2-197183294-C-A.
Other names: c.1252G>T, p.Glu418Ter (NM_001304840.3); c.2320G>T, p.Glu774Ter (NM_020760.4); short protein forms E418*, E774*.
Identifiers: ClinVar variation 4530931 (VCV004530931.1).